The following is an entry in ClinVar:

ClinVar aggregate classification (germline): Uncertain significance (1 of 4 stars; one submission).

Conditions:
Alpha-methylacyl-CoA racemase deficiency (AMACRD). Also called: AMACR deficiency. Identifiers: Orphanet 79095, MedGen C3280428, MONDO:0013681, OMIM 614307. Disease mechanism: loss of function.

gnomAD v4.1: 2 of 1,614,212 alleles (0.00012%); highest among the groups gnomAD compares: Non-Finnish European, 0.000085%; no homozygotes.

Submission:

Labcorp Genetics (formerly Invitae), Labcorp
Classification: Uncertain significance for Alpha-methylacyl-CoA racemase deficiency. Last evaluated: 2025-11-27. Review status: criteria provided, single submitter. Criteria: Invitae Variant Classification Sherloc (09022015). Collection method: clinical testing. Allele origin: germline.
Comment: This sequence change replaces isoleucine, which is neutral and non-polar, with threonine, which is neutral and polar, at codon 353 of the AMACR protein (p.Ile353Thr). This variant is not present in population databases (gnomAD no frequency). This variant has not been reported in the literature in individuals affected with AMACR-related conditions. Invitae Evidence Modeling of protein sequence and biophysical properties (such as structural, functional, and spatial information, amino acid conservation, physicochemical variation, residue mobility, and thermodynamic stability) indicates that this missense variant is not expected to disrupt AMACR protein function with a negative predictive value of 80%. In summary, the available evidence is currently insufficient to determine the role of this variant in disease. Therefore, it has been classified as a Variant of Uncertain Significance.

NM_014324.6(AMACR):c.1058T>C (p.Ile353Thr)

Genes: AMACR (alpha-methylacyl-CoA racemase; minus strand), C1QTNF3-AMACR (C1QTNF3-AMACR readthrough (NMD candidate); minus strand). Cytogenetic location: 5p13.2.
Variant type: single nucleotide variant.
Coding change: c.1058T>C on transcript NM_014324.6 (MANE Select); coding-DNA position 1058, T replaced by C.
Protein change: p.Ile353Thr; replaces isoleucine 353 with threonine.
Molecular consequence: missense variant. On other transcripts: non-coding transcript variant (1), 3 prime UTR variant (1).
Genome position (GRCh38, 1-based): chr5:33,989,184, A>G on the plus strand (T>C on the coding strand, the complement: AMACR is on the minus strand). VCF-style: chr5-33989184-A-G. GRCh37 (hg19) VCF-style: chr5-33989289-A-G.
Other names: c.1058T>C, p.Ile353Thr (NM_001167595.2); c.*300T>C (NM_203382.3); short protein forms I353T.
Identifiers: ClinVar variation 4697869 (VCV004697869.1).
Genomic context (GRCh38, chr5:33,989,184, plus strand): 5'-ATGATTTTATCTGAGTTAAGCTGATAAATCTCTTCGCGGCTGAATCCAAATTCTTCAAGT[A>G]TCTCCTCAGTGTGTTCTCCTATGAAAGGATCCCTTTTGAAAGAAGGGATGGCTGGGGTGT-3'
Protein context (NP_055139.4, residues 343-363): DPFIGEHTEE[Ile353Thr]LEEFGFSREE